The following is an entry in ClinVar:

NC_000002.12:g.(?_165898666)_(166311776_?)del

Genes: SCN1A (sodium voltage-gated channel alpha subunit 1; minus strand), SCN9A (sodium voltage-gated channel alpha subunit 9; minus strand), TTC21B (tetratricopeptide repeat domain 21B; minus strand). Cytogenetic location: 2q24.3.
Variant type: Deletion.
Identifiers: ClinVar variation 833402 (VCV000833402.2).

ClinVar aggregate classification (germline): Pathogenic (1 of 4 stars; one submission).

Conditions:
Developmental and epileptic encephalopathy. Identifiers: MedGen C5779964, MONDO:0100620.

Submission:

Labcorp Genetics (formerly Invitae), Labcorp
Classification: Pathogenic for Early infantile epileptic encephalopathy with suppression bursts. Last evaluated: 2019-11-06. Review status: criteria provided, single submitter. Criteria: Invitae Variant Classification Sherloc (09022015). Collection method: clinical testing. Allele origin: germline.
Comment: A gross deletion of the genomic region encompassing the full coding sequence of the SCN1A gene has been identified. The boundaries of this event are unknown as the deletion extends beyond the assayed region for this gene and therefore may encompass additional genes. This variant has been observed in individual(s) with Dravet syndrome (PMID: 17561957, 16865694, 20522430, 21719429, 26068938). In at least one individual the variant was observed to be de novo. Loss-of-function variants in SCN1A are known to be pathogenic (PMID: 17347258, 18930999). For these reasons, this variant has been classified as Pathogenic.

Literature cited by the submitters: PubMed 17561957; PubMed 16865694; PubMed 21719429; PubMed 26068938; PubMed 20522430.